The following is an entry in ClinVar:

NM_001011658.4(TRAPPC2):c.*1050C>T

Gene: TRAPPC2 (trafficking protein particle complex subunit 2; minus strand). Cytogenetic location: Xp22.2.
Variant type: single nucleotide variant.
Coding change: c.*1050C>T on transcript NM_001011658.4 (MANE Select); 1050 bases downstream of the stop codon, C replaced by T.
Molecular consequence: 3 prime UTR variant.
Genome position (GRCh38, 1-based): chrX:13,713,357, G>A on the plus strand (C>T on the coding strand, the complement: TRAPPC2 is on the minus strand). VCF-style: chrX-13713357-G-A. GRCh37 (hg19) VCF-style: chrX-13731476-G-A.
Other names: c.*1050C>T (NM_001128835.3, NM_014563.6).
Identifiers: ClinVar variation 367974 (VCV000367974.5), dbSNP rs184686872, ClinGen allele CA10645993.

ClinVar aggregate classification (germline): Likely benign (1 of 4 stars; one submission).

Conditions:
Spondyloepiphyseal dysplasia tarda (SEDT). Also called: SPONDYLOEPIPHYSEAL DYSPLASIA, LATE. Identifiers: Orphanet 93284, MedGen CN033239, MONDO:0019667.

Allele frequency attached by ClinVar (database versions not stated): gnomAD 0.00029 and 0.00097; TOPMed 0.00086; 1000 Genomes Project 0.01113.

Submission:

Illumina Laboratory Services, Illumina
Classification: Likely benign for Spondyloepiphyseal dysplasia tarda, X-linked. Last evaluated: 2017-04-27. Review status: criteria provided, single submitter. Criteria: ICSL Variant Classification Criteria 13 December 2019. Collection method: clinical testing. Allele origin: germline.
Comment: This variant was observed as part of a predisposition screen in an ostensibly healthy population. A literature search was performed for the gene, cDNA change, and amino acid change (where applicable). No publications were found based on this search. Allele frequency data from public databases allowed determination this variant is unlikely to cause disease. Therefore, this variant is classified as likely benign.